The following is an entry in ClinVar:

NM_006946.4(SPTBN2):c.5340C>T (p.Asn1780=)

Gene: SPTBN2 (spectrin beta, non-erythrocytic 2; minus strand). Cytogenetic location: 11q13.2.
Variant type: single nucleotide variant.
Coding change: c.5340C>T on transcript NM_006946.4 (MANE Select); coding-DNA position 5340, C replaced by T.
Protein change: p.Asn1780=; no amino-acid change (asparagine 1780 retained).
Molecular consequence: synonymous variant.
Genome position (GRCh38, 1-based): chr11:66,691,509, G>A on the plus strand (C>T on the coding strand, the complement: SPTBN2 is on the minus strand). VCF-style: chr11-66691509-G-A. GRCh37 (hg19) VCF-style: chr11-66458980-G-A.
Other names: p.Asn1780=; c.5340C>T (NM_006946.3).
Identifiers: ClinVar variation 305547 (VCV000305547.18), dbSNP rs623022, ClinGen allele CA6128295.

ClinVar aggregate classification (germline): Benign/Likely benign. Review status: criteria provided, multiple submitters, no conflicts (2 of 4 stars). 6 submissions from 6 submitters: Benign (4); Likely benign (1). 1 of the submissions does not count toward it. Last evaluated 2026-02-03.

Conditions:
SPTBN2-related disorder. Also called: SPTBN2-related condition.

Allele frequency attached by ClinVar (database versions not stated): ESP Exome Variant Server 0.03641; TOPMed 0.04033; gnomAD 0.04821 and 0.05027; gnomAD exomes 0.05483 and 0.06435; 1000 Genomes Project 30x 0.05887; 1000 Genomes Project 0.06310; ExAC 0.06591.

Submissions (6):

Labcorp Genetics (formerly Invitae), Labcorp
Classification: Benign. Last evaluated: 2026-02-03. Review status: criteria provided, single submitter. Criteria: Invitae Variant Classification Sherloc (09022015). Collection method: clinical testing. Allele origin: germline.

Mayo Clinic Laboratories, Mayo Clinic
Classification: Benign. Last evaluated: 2022-03-23. Review status: criteria provided, single submitter. Criteria: ACMG Guidelines, 2015. Collection method: clinical testing. Allele origin: germline. Observed: 38 variant alleles.

GeneDx
Classification: Benign. Last evaluated: 2021-04-13. Review status: criteria provided, single submitter. Criteria: GeneDx Variant Classification Process June 2021. Collection method: clinical testing. Allele origin: germline. Affected: yes.

Athena Diagnostics
Classification: Benign. Last evaluated: 2017-07-12. Review status: criteria provided, single submitter. Criteria: Athena Diagnostics Criteria. Collection method: clinical testing. Allele origin: germline.

Breakthrough Genomics
Classification: Likely benign. Review status: criteria provided, single submitter. Criteria: ACMG Guidelines, 2015. Collection method: not provided. Allele origin: germline. Inheritance: Autosomal recessive inheritance. Affected: yes.

PreventionGenetics, part of Exact Sciences
Classification: Benign for SPTBN2-related condition. Last evaluated: 2019-07-08. Review status: no assertion criteria provided. Collection method: clinical testing. Allele origin: germline. Not counted in ClinVar's aggregate classification.
Comment: This variant is classified as benign based on ACMG/AMP sequence variant interpretation guidelines (Richards et al. 2015 PMID: 25741868, with internal and published modifications).